The following is an entry in ClinVar:

ClinVar aggregate classification (germline): Uncertain significance (1 of 4 stars; one submission).

Submission:

Labcorp Genetics (formerly Invitae), Labcorp
Classification: Uncertain significance. Last evaluated: 2023-03-27. Review status: criteria provided, single submitter. Criteria: Invitae Variant Classification Sherloc (09022015). Collection method: clinical testing. Allele origin: germline.
Comment: This variant is not present in population databases (gnomAD no frequency). This variant, c.5307_5327del, results in the deletion of 7 amino acid(s) of the COL11A1 protein (p.Glu1769_Ile1775del), but otherwise preserves the integrity of the reading frame. This variant has not been reported in the literature in individuals affected with COL11A1-related conditions. This variant disrupts a region of the COL11A1 protein in which other variant(s) (p.Thr1772Pro) have been observed in individuals with COL11A1-related conditions (PMID: 32427345). This suggests that this is a clinically significant region of the protein, and that variants that disrupt it are likely to be disease-causing. In summary, the available evidence is currently insufficient to determine the role of this variant in disease. Therefore, it has been classified as a Variant of Uncertain Significance.

Literature cited by the submitters: PubMed 32427345.

NM_001854.4(COL11A1):c.5307_5327del (p.Glu1769_Ile1775del)

Gene: COL11A1 (collagen type XI alpha 1 chain; minus strand). Cytogenetic location: 1p21.1.
Variant type: Deletion.
Coding change: c.5307_5327del on transcript NM_001854.4 (MANE Select); coding-DNA positions 5307 to 5327, 21 bases deleted (AATCAATACACCAAAAATTGA).
Protein change: p.Glu1769_Ile1775del.
Molecular consequence: inframe deletion. On other transcripts: inframe indel (1), non-coding transcript variant (1).
Genome position (GRCh38, 1-based): chr1:102,878,113-102,878,133, TCAATTTTTGGTGTATTGATT deleted on the plus strand (AATCAATACACCAAAAATTGA on the coding strand, the reverse complement: COL11A1 is on the minus strand); deleting any 21 consecutive bases within chr1:102,878,113-102,878,138 gives the same sequence; the c. name uses the placement nearest the transcript's 3' end. VCF-style (leftmost placement, unchanged base first): chr1-102878112-ATCAATTTTTGGTGTATTGATT-A. GRCh37 (hg19) VCF-style: chr1-103343668-ATCAATTTTTGGTGTATTGATT-A.
Other names: c.4954_4974del21, p.Glu1653_Ile1659del (NM_001168249.1); c.5190_5210del, p.Glu1730_Ile1736del (NM_001190709.2); c.5343_5363del, p.Glu1781_Ile1787del (NM_080629.3); c.4959_4979del, p.Glu1653_Ile1659del (NM_080630.4).
Identifiers: ClinVar variation 2840025 (VCV002840025.3), dbSNP rs2524144195, ClinGen allele CA2739275146.
Genomic context (GRCh38, chr1:102,878,112, plus strand): 5'-TCCGAACTTCTGATTCTGATCACCAAAGTCATTGATCATGACATCAACAATAGGTACTTG[ATCAATTTTTGGTGTATTGATT>A]TCAATGACAGTCTTTTCATAGCCTTTTCTGGACTGTAAAATAAAGCAGAAATAAAAAGTT-3'